The following is an entry in ClinVar:

NM_015338.6(ASXL1):c.2790G>A (p.Trp930Ter)

Gene: ASXL1 (ASXL transcriptional regulator 1; plus strand). Cytogenetic location: 20q11.21.
Variant type: single nucleotide variant.
Coding change: c.2790G>A on transcript NM_015338.6 (MANE Select); coding-DNA position 2790, G replaced by A.
Protein change: p.Trp930Ter; replaces tryptophan 930 with a stop codon.
Molecular consequence: nonsense.
Genome position (GRCh38, 1-based): chr20:32,435,502, G>A. VCF-style: chr20-32435502-G-A. GRCh37 (hg19) VCF-style: chr20-31023305-G-A.
Other names: c.2607G>A, p.Trp869Ter (NM_001363734.1); short protein forms W930*, W869*.
Identifiers: ClinVar variation 620453 (VCV000620453.3), dbSNP rs1569333361, ClinGen allele CA408561269.

ClinVar aggregate classification (germline): Pathogenic/Likely pathogenic. Review status: criteria provided, multiple submitters, no conflicts (2 of 4 stars). 2 submissions from 2 submitters: Pathogenic (1); Likely pathogenic (1). Last evaluated 2025-01-30.

Conditions:
Bohring-Opitz syndrome. Also called: C-LIKE SYNDROME; BOHRING SYNDROME; ASXL1-Related Bohring-Opitz Syndrome; OPITZ TRIGONOCEPHALY-LIKE SYNDROME. Identifiers: Orphanet 97297, MedGen C0796232, MONDO:0011510, OMIM 605039.

Allele frequency attached by ClinVar (database versions not stated): gnomAD exomes below 0.00001.
gnomAD v4.1: 1 of 1,613,984 alleles (0.000062%); highest among the groups gnomAD compares: South Asian, 0.0011%; no homozygotes.

Submissions (2):

Medgenome Labs Ltd
Classification: Likely pathogenic for Bohring-Opitz syndrome. Last evaluated: 2025-01-30. Review status: criteria provided, single submitter. Criteria: ACMG Guidelines, 2015. Collection method: clinical testing. Allele origin: germline. Affected: yes.

GeneDx
Classification: Pathogenic. Last evaluated: 2024-07-23. Review status: criteria provided, single submitter. Criteria: GeneDx Variant Classification Process June 2021. Collection method: clinical testing. Allele origin: germline. Affected: yes.
Comment: Nonsense variant predicted to result in protein truncation, as the last 612 amino acids are lost, and other loss-of-function variants have been reported downstream in HGMD; Not observed at significant frequency in large population cohorts (gnomAD); Has not been previously published as pathogenic or benign to our knowledge